The following is an entry in ClinVar:

NM_006922.4(SCN3A):c.968-4A>G

Gene: SCN3A (sodium voltage-gated channel alpha subunit 3; minus strand). Cytogenetic location: 2q24.3.
Variant type: single nucleotide variant.
Coding change: c.968-4A>G on transcript NM_006922.4 (MANE Select); 4 bases into the intron before coding-DNA position 968, A replaced by G.
Molecular consequence: intron variant.
Genome position (GRCh38, 1-based): chr2:165,162,375, T>C on the plus strand (A>G on the coding strand, the complement: SCN3A is on the minus strand). VCF-style: chr2-165162375-T-C. GRCh37 (hg19) VCF-style: chr2-166018885-T-C.
Other names: c.968-4A>G (NM_001081676.2, NM_001081677.2).
Identifiers: ClinVar variation 864811 (VCV000864811.29), dbSNP rs1689458926, ClinGen allele CA916082217.

ClinVar aggregate classification (germline): Uncertain significance. Review status: criteria provided, multiple submitters, no conflicts (2 of 4 stars). 2 submissions from 2 submitters: Uncertain significance (2). Last evaluated 2024-05-06.

Allele frequency attached by ClinVar (database versions not stated): gnomAD exomes 0.00001; TOPMed 0.00001.
gnomAD v4.1: 5 of 1,613,500 alleles (0.00031%); highest among the groups gnomAD compares: Non-Finnish European, 0.00042%; no homozygotes.

Submissions (2):

Labcorp Genetics (formerly Invitae), Labcorp
Classification: Uncertain significance. Last evaluated: 2024-05-06. Review status: criteria provided, single submitter. Criteria: Invitae Variant Classification Sherloc (09022015). Collection method: clinical testing. Allele origin: germline.
Comment: This sequence change falls in intron 8 of the SCN3A gene. It does not directly change the encoded amino acid sequence of the SCN3A protein. This variant is not present in population databases (gnomAD no frequency). This variant has not been reported in the literature in individuals affected with SCN3A-related conditions. ClinVar contains an entry for this variant (Variation ID: 864811). Algorithms developed to predict the effect of sequence changes on RNA splicing suggest that this variant may disrupt the consensus splice site. In summary, the available evidence is currently insufficient to determine the role of this variant in disease. Therefore, it has been classified as a Variant of Uncertain Significance.

CeGaT Center for Human Genetics Tuebingen
Classification: Uncertain significance. Last evaluated: 2024-04-01. Review status: criteria provided, single submitter. Criteria: CeGaT Center For Human Genetics Tuebingen Variant Classification Criteria Version 2. Collection method: clinical testing. Allele origin: germline. Affected: yes. Observed: 1 variant allele.
Comment: SCN3A: PM2, PP3